The following is an entry in ClinVar:

ClinVar aggregate classification (germline): Pathogenic (1 of 4 stars; one submission).

Conditions:
Familial adenomatous polyposis 1 (FAP1). Also called: FAMILIAL ADENOMATOUS POLYPOSIS 1, ATTENUATED; POLYPOSIS, ADENOMATOUS INTESTINAL. Identifiers: MedGen C2713442, MONDO:0021056, OMIM 175100. Disease mechanism: loss of function.

Submission:

Labcorp Genetics (formerly Invitae), Labcorp
Classification: Pathogenic for Familial adenomatous polyposis 1. Last evaluated: 2020-06-06. Review status: criteria provided, single submitter. Criteria: Invitae Variant Classification Sherloc (09022015). Collection method: clinical testing. Allele origin: germline.
Comment: This variant is expected to disrupt the EB1 and HDLG binding sites, which mediate interactions with the cytoskeleton (PMID: 15311282, 17293347). While functional studies have not been performed to directly test the effect on APC protein function, this suggests that disruption of the C-terminal portion of the protein is functionally important. For these reasons, this variant has been classified as Pathogenic. A different truncation (p.Tyr2645Lysfs*14) that lies downstream of this variant has been determined to be pathogenic (PMID: 9824584, 1316610, 27081525, 8381579, 22135120, Invitae). This suggests that deletion of this region of the APC protein is causative of disease. This variant has not been reported in the literature in individuals with APC-related conditions. This variant is not present in population databases (ExAC no frequency). This sequence change results in a premature translational stop signal in the APC gene (p.Pro1934Serfs*15). While this is not anticipated to result in nonsense mediated decay, it is expected to disrupt the last 910 amino acids of the APC protein.

Literature cited by the submitters: PubMed 15311282; PubMed 17293347; PubMed 9824584; PubMed 1316610; PubMed 27081525; PubMed 8381579; PubMed 22135120.

NM_000038.6(APC):c.5799dup (p.Pro1934fs)

Gene: APC (APC regulator of Wnt signaling pathway; plus strand). Cytogenetic location: 5q22.2.
Variant type: Duplication.
Coding change: c.5799dup on transcript NM_000038.6 (MANE Select); coding-DNA position 5799, one base duplicated (T; older notation c.5799dupT).
Protein change: p.Pro1934fs; shifts the reading frame from proline 1934.
Molecular consequence: frameshift variant.
Genome position (GRCh38, 1-based): chr5:112,841,393, T duplicated; the last of 4 consecutive T bases (chr5:112,841,390-112,841,393); duplicating any one gives the same sequence. VCF-style (leftmost placement, unchanged base first): chr5-112841389-C-CT. GRCh37 (hg19) VCF-style: chr5-112177086-C-CT.
Other names: c.5799dup, p.Pro1934fs (NM_001127510.3, NM_001354895.2); c.5745dup, p.Pro1916fs (NM_001127511.3); c.5853dup, p.Pro1952fs (NM_001354896.2); c.5829dup, p.Pro1944fs (NM_001354897.2); c.5724dup, p.Pro1909fs (NM_001354898.2); c.5715dup, p.Pro1906fs (NM_001354899.2); c.5676dup, p.Pro1893fs (NM_001354900.2); c.5622dup, p.Pro1875fs (NM_001354901.2); and 5 more; short protein forms P1651fs, P1774fs, P1808fs, P1833fs, P1843fs, P1875fs, P1893fs, P1906fs.
Identifiers: ClinVar variation 1068698 (VCV001068698.10), dbSNP rs1766047961, ClinGen allele CA2499217493.